The following is an entry in ClinVar:

NM_004663.5(RAB11A):c.452T>C (p.Ile151Thr)

Gene: RAB11A (RAB11A, member RAS oncogene family; plus strand). Cytogenetic location: 15q22.31.
Variant type: single nucleotide variant.
Coding change: c.452T>C on transcript NM_004663.5 (MANE Select); coding-DNA position 452, T replaced by C.
Protein change: p.Ile151Thr; replaces isoleucine 151 with threonine.
Molecular consequence: missense variant. On other transcripts: intron variant (1).
Genome position (GRCh38, 1-based): chr15:65,879,692, T>C. VCF-style: chr15-65879692-T-C. GRCh37 (hg19) VCF-style: chr15-66172030-T-C.
Other names: c.439+13T>C (NM_001206836.2); short protein forms I151T.
Identifiers: ClinVar variation 3362024 (VCV003362024.1).

ClinVar aggregate classification (germline): Uncertain significance (1 of 4 stars; one submission).

gnomAD v4.1: 1 of 1,597,736 alleles (0.000063%); highest among the groups gnomAD compares: Non-Finnish European, 0.000086%; no homozygotes.

Submission:

GeneDx
Classification: Uncertain significance. Last evaluated: 2023-05-24. Review status: criteria provided, single submitter. Criteria: GeneDx Variant Classification Process June 2021. Collection method: clinical testing. Allele origin: germline. Affected: yes.
Comment: Not observed at significant frequency in large population cohorts (gnomAD); In silico analysis supports that this missense variant has a deleterious effect on protein structure/function; Has not been previously published as pathogenic or benign to our knowledge